The following is an entry in ClinVar:

NM_015909.4(NBAS):c.5118G>A (p.Glu1706=)

Gene: NBAS (NBAS subunit of NRZ tethering complex; minus strand). Cytogenetic location: 2p24.3.
Variant type: single nucleotide variant.
Coding change: c.5118G>A on transcript NM_015909.4 (MANE Select); coding-DNA position 5118, G replaced by A.
Protein change: p.Glu1706=; no amino-acid change (glutamic acid 1706 retained).
Molecular consequence: synonymous variant. On other transcripts: non-coding transcript variant (1).
Genome position (GRCh38, 1-based): chr2:15,287,093, C>T on the plus strand (G>A on the coding strand, the complement: NBAS is on the minus strand). VCF-style: chr2-15287093-C-T. GRCh37 (hg19) VCF-style: chr2-15427217-C-T.
Identifiers: ClinVar variation 1580917 (VCV001580917.19), dbSNP rs183222792, ClinGen allele CA1535380.

ClinVar aggregate classification (germline): Likely benign. Review status: criteria provided, multiple submitters, no conflicts (2 of 4 stars). 3 submissions from 3 submitters: Likely benign (3). Last evaluated 2026-01-26.

Allele frequency attached by ClinVar (database versions not stated): ESP Exome Variant Server 0.00008; gnomAD 0.00011 and 0.00019; gnomAD exomes 0.00016 and 0.00025; ExAC 0.00019; TOPMed 0.00023; 1000 Genomes Project 30x 0.00031; 1000 Genomes Project 0.00040.
gnomAD v4.1: 264 of 1,613,132 alleles (0.016%); highest among the groups gnomAD compares: East Asian, 0.28%; no homozygotes.

Submissions (3):

Labcorp Genetics (formerly Invitae), Labcorp
Classification: Likely benign. Last evaluated: 2026-01-26. Review status: criteria provided, single submitter. Criteria: Invitae Variant Classification Sherloc (09022015). Collection method: clinical testing. Allele origin: germline.

CeGaT Center for Human Genetics Tuebingen
Classification: Likely benign. Last evaluated: 2025-06-01. Review status: criteria provided, single submitter. Criteria: CeGaT Center For Human Genetics Tuebingen Variant Classification Criteria Version 2. Collection method: clinical testing. Allele origin: germline. Affected: yes. Observed: 1 variant allele.
Comment: NBAS: BP4

Blueprint Genetics
Classification: Likely benign. Last evaluated: 2024-09-02. Review status: criteria provided, single submitter. Criteria: ACMG Guidelines, 2015. Collection method: clinical testing. Allele origin: germline.